The following is an entry in ClinVar:

ClinVar aggregate classification (germline): Uncertain significance. Review status: criteria provided, multiple submitters, no conflicts (2 of 4 stars). 3 submissions from 3 submitters: Uncertain significance (3). Last evaluated 2023-04-10.

Conditions:
Inborn genetic diseases. Identifiers: MedGen C0950123, MeSH D030342.

Allele frequency attached by ClinVar (database versions not stated): ExAC 0.00006; TOPMed 0.00008; gnomAD exomes 0.00011.
gnomAD v4.1: 291 of 1,545,688 alleles (0.019%); highest among the groups gnomAD compares: Non-Finnish European, 0.025%; no homozygotes.

Submissions (3):

Ambry Genetics
Classification: Uncertain significance for Inborn genetic diseases. Last evaluated: 2023-04-10. Review status: criteria provided, single submitter. Criteria: Ambry Variant Classification Scheme 2023. Collection method: clinical testing. Allele origin: germline.
Comment: The c.1181-6C>G intronic alteration consists of a C to G substitution 6 nucleotides before coding exon 13 in the KIF1A gene. Based on insufficient or conflicting evidence, the clinical significance of this alteration remains unclear.

GeneDx
Classification: Uncertain significance. Last evaluated: 2021-11-23. Review status: criteria provided, single submitter. Criteria: GeneDx Variant Classification Process June 2021. Collection method: clinical testing. Allele origin: germline. Affected: yes.
Comment: Located in an alternate transcript of the gene; Has not been previously published as pathogenic or benign to our knowledge; In-silico analysis is inconclusive as to whether the variant alters gene splicing. In the absence of RNA/functional studies, the actual effect of this sequence change is unknown.

Athena Diagnostics
Classification: Uncertain significance. Last evaluated: 2020-06-02. Review status: criteria provided, single submitter. Criteria: Athena Diagnostics Criteria. Collection method: clinical testing. Allele origin: unknown.

NM_001244008.2(KIF1A):c.1181-6C>G

Gene: KIF1A (kinesin family member 1A; minus strand). Cytogenetic location: 2q37.3.
Variant type: single nucleotide variant.
Coding change: c.1181-6C>G on transcript NM_001244008.2 (MANE Select); 6 bases into the intron before coding-DNA position 1181, C replaced by G.
Molecular consequence: intron variant.
Genome position (GRCh38, 1-based): chr2:240,772,602, G>C on the plus strand (C>G on the coding strand, the complement: KIF1A is on the minus strand). VCF-style: chr2-240772602-G-C. GRCh37 (hg19) VCF-style: chr2-241712019-G-C.
Other names: c.1180+512C>G (NM_001379653.1, NM_001379650.1, NM_001379645.1 and 12 more transcripts); c.1181-6C>G (NM_001379635.1, NM_001320705.2, NM_001379638.1 and 5 more transcripts).
Identifiers: ClinVar variation 994636 (VCV000994636.7), dbSNP rs535005700, ClinGen allele CA2208519.